The following is an entry in ClinVar:

NM_001276345.2(TNNT2):c.104A>T (p.Glu35Val)

Gene: TNNT2 (troponin T2, cardiac type; minus strand). Cytogenetic location: 1q32.1.
Variant type: single nucleotide variant.
Coding change: c.104A>T on transcript NM_001276345.2 (MANE Select); coding-DNA position 104, A replaced by T.
Protein change: p.Glu35Val; replaces glutamic acid 35 with valine.
Molecular consequence: missense variant.
Genome position (GRCh38, 1-based): chr1:201,368,221, T>A on the plus strand (A>T on the coding strand, the complement: TNNT2 is on the minus strand). VCF-style: chr1-201368221-T-A. GRCh37 (hg19) VCF-style: chr1-201337349-T-A.
Other names: c.104A>T, p.Glu35Val (NM_000364.4, NM_001276346.2, NM_001406723.1); c.74A>T, p.Glu25Val (NM_001001430.3, NM_001001431.3, NM_001276347.2 and 4 more transcripts); c.59A>T, p.Glu20Val (NM_001001432.3, NM_001406728.1); short protein forms E20V, E25V, E35V.
Identifiers: ClinVar variation 1759199 (VCV001759199.10), dbSNP rs1251341467, ClinGen allele CA344207387.

ClinVar aggregate classification (germline): Uncertain significance. Review status: criteria provided, multiple submitters, no conflicts (2 of 4 stars). 6 submissions from 4 submitters: Uncertain significance (6). Last evaluated 2025-08-30.

Conditions:
Cardiovascular phenotype. Identifiers: MedGen CN230736.
Hypertrophic cardiomyopathy 2. Also called: TNNT2-Related Familial Hypertrophic Cardiomyopathy. Identifiers: MedGen C1861864, MONDO:0007266, OMIM 115195.
Dilated cardiomyopathy 1D. Identifiers: Orphanet 154, Orphanet 54260, MedGen C1832243, MONDO:0011095, OMIM 601494.
Cardiomyopathy, familial restrictive, 3. Identifiers: Orphanet 75249, MedGen C2676271, MONDO:0012900, OMIM 612422.
Cardiomyopathy (CMYO). Also called: Cardiomyopathies. Identifiers: Orphanet 167848, MedGen C0878544, MONDO:0004994, HP:0001638. Inheritance: Various modes of inheritance.

Allele frequency attached by ClinVar (database versions not stated): gnomAD 0.00001.
gnomAD v4.1: 3 of 1,613,902 alleles (0.00019%); highest among the groups gnomAD compares: Non-Finnish European, 0.00025%; no homozygotes.

Submissions (6):

Color Diagnostics, LLC DBA Color Health
Classification: Uncertain significance for Cardiomyopathy. Last evaluated: 2025-08-30. Review status: criteria provided, single submitter. Criteria: ACMG Guidelines, 2015. Collection method: clinical testing. Allele origin: germline.
Comment: This missense variant replaces glutamic acid with valine at codon 25 of the TNNT2 protein. Computational prediction is inconclusive regarding the impact of this variant on protein structure and function. To our knowledge, functional studies have not been reported for this variant. This variant has not been reported in individuals affected with TNNT2-related disorders in the literature. This variant has been identified in 1/31392 chromosomes in the general population by the Genome Aggregation Database (gnomAD). The available evidence is insufficient to determine the role of this variant in disease conclusively. Therefore, this variant is classified as a Variant of Uncertain Significance.

Ambry Genetics
Classification: Uncertain significance for Cardiovascular phenotype. Last evaluated: 2025-04-24. Review status: criteria provided, single submitter. Criteria: Ambry Variant Classification Scheme 2023. Collection method: clinical testing. Allele origin: germline.
Comment: The p.E25V variant (also known as c.74A>T), located in coding exon 4 of the TNNT2 gene, results from an A to T substitution at nucleotide position 74. The glutamic acid at codon 25 is replaced by valine, an amino acid with dissimilar properties. This amino acid position is conserved. In addition, the in silico prediction for this alteration is inconclusive. Since supporting evidence is limited at this time, the clinical significance of this alteration remains unclear.

Genome-Nilou Lab
Classification: Uncertain significance for Dilated cardiomyopathy 1D. Last evaluated: 2023-11-04. Review status: criteria provided, single submitter. Criteria: ACMG Guidelines, 2015. Collection method: clinical testing. Allele origin: germline. Affected: no.

Genome-Nilou Lab
Classification: Uncertain significance for Cardiomyopathy, familial restrictive, 3. Last evaluated: 2023-11-04. Review status: criteria provided, single submitter. Criteria: ACMG Guidelines, 2015. Collection method: clinical testing. Allele origin: germline. Affected: no.

Genome-Nilou Lab
Classification: Uncertain significance for Hypertrophic cardiomyopathy 2. Last evaluated: 2023-11-04. Review status: criteria provided, single submitter. Criteria: ACMG Guidelines, 2015. Collection method: clinical testing. Allele origin: germline. Affected: no.

Labcorp Genetics (formerly Invitae), Labcorp
Classification: Uncertain significance for Cardiomyopathy, familial restrictive, 3; Hypertrophic cardiomyopathy 2; Dilated cardiomyopathy 1D. Last evaluated: 2022-09-19. Review status: criteria provided, single submitter. Criteria: Invitae Variant Classification Sherloc (09022015). Collection method: clinical testing. Allele origin: germline.
Comment: Advanced modeling of protein sequence and biophysical properties (such as structural, functional, and spatial information, amino acid conservation, physicochemical variation, residue mobility, and thermodynamic stability) performed at Invitae indicates that this missense variant is expected to disrupt TNNT2 protein function. This variant has not been reported in the literature in individuals affected with TNNT2-related conditions. This variant is present in population databases (no rsID available, gnomAD 0.007%). This sequence change replaces glutamic acid, which is acidic and polar, with valine, which is neutral and non-polar, at codon 25 of the TNNT2 protein (p.Glu25Val). In summary, the available evidence is currently insufficient to determine the role of this variant in disease. Therefore, it has been classified as a Variant of Uncertain Significance.